The following is an entry in ClinVar:

ClinVar aggregate classification (germline): Benign/Likely benign. Review status: criteria provided, multiple submitters, no conflicts (2 of 4 stars). 6 submissions from 6 submitters: Benign (5); Likely benign (1). Last evaluated 2026-09-01.

Conditions:
Short-rib thoracic dysplasia 14 with polydactyly (SRTD14). Identifiers: Orphanet 397715, MedGen C4225286, MONDO:0014688, OMIM 616546.
Joubert syndrome 23 (JBTS23). Identifiers: Orphanet 475, MedGen C4084822, MONDO:0014664, OMIM 616490.

Allele frequency attached by ClinVar (database versions not stated): 1000 Genomes Project 0.00399; 1000 Genomes Project 30x 0.00406; TOPMed 0.00936; ESP Exome Variant Server 0.01018; gnomAD exomes 0.01076 and 0.01306; ExAC 0.01119; gnomAD 0.01221 and 0.01255.
gnomAD v4.1: 20,846 of 1,613,662 alleles (1.3%); highest among the groups gnomAD compares: Non-Finnish European, 1.5%; 204 homozygotes.

Submissions (6):

CeGaT Center for Human Genetics Tuebingen
Classification: Benign. Last evaluated: 2026-09-01. Review status: criteria provided, single submitter. Criteria: CeGaT Center For Human Genetics Tuebingen Variant Classification Criteria Version 2. Collection method: clinical testing. Allele origin: germline. Affected: yes. Observed: 40 variant alleles.
Comment: KIAA0586: BP4, BS1, BS2

Labcorp Genetics (formerly Invitae), Labcorp
Classification: Benign for Joubert syndrome 23; Short-rib thoracic dysplasia 14 with polydactyly. Last evaluated: 2026-02-03. Review status: criteria provided, single submitter. Criteria: Invitae Variant Classification Sherloc (09022015). Collection method: clinical testing. Allele origin: germline.

Blueprint Genetics
Classification: Likely benign. Last evaluated: 2024-11-28. Review status: criteria provided, single submitter. Criteria: ACMG Guidelines, 2015. Collection method: clinical testing. Allele origin: germline.

Mayo Clinic Laboratories, Mayo Clinic
Classification: Benign. Last evaluated: 2023-08-14. Review status: criteria provided, single submitter. Criteria: ACMG Guidelines, 2015. Collection method: clinical testing. Allele origin: germline. Observed: 4 variant alleles.
Comment: BS1, BS2, BP4

GeneDx
Classification: Benign. Last evaluated: 2019-10-04. Review status: criteria provided, single submitter. Criteria: GeneDx Variant Classification Process June 2021. Collection method: clinical testing. Allele origin: germline. Affected: yes.

Breakthrough Genomics
Classification: Benign. Review status: criteria provided, single submitter. Criteria: ACMG Guidelines, 2015. Collection method: not provided. Allele origin: germline. Inheritance: Autosomal recessive inheritance. Affected: yes.

NM_001329943.3(KIAA0586):c.4560G>A (p.Pro1520=)

Gene: KIAA0586 (KIAA0586; plus strand). Cytogenetic location: 14q23.1.
Variant type: single nucleotide variant.
Coding change: c.4560G>A on transcript NM_001329943.3 (MANE Select); coding-DNA position 4560, G replaced by A.
Protein change: p.Pro1520=; no amino-acid change (proline 1520 retained).
Molecular consequence: synonymous variant. On other transcripts: missense variant (2).
Genome position (GRCh38, 1-based): chr14:58,547,845, G>A. VCF-style: chr14-58547845-G-A. GRCh37 (hg19) VCF-style: chr14-59014563-G-A.
Other names: p.Val1602Ile; c.4804G>A, p.Val1602Ile (NM_001244189.2); c.4515G>A, p.Pro1505= (NM_001244190.2); c.4305G>A, p.Pro1435= (NM_001244191.2, NM_001364701.2); c.4428G>A, p.Pro1476= (NM_001244192.2, NM_001329947.2); c.4645G>A, p.Val1549Ile (NM_001329944.2); c.4239G>A, p.Pro1413= (NM_001329945.2); c.4494G>A, p.Pro1498= (NM_001329946.2); and 1 more; short protein forms V1602I, V1549I.
Identifiers: ClinVar variation 475454 (VCV000475454.31), dbSNP rs45568037, ClinGen allele CA7206447.